The following is an entry in ClinVar:

NM_001372.4(DNAH9):c.6399+6T>C

Gene: DNAH9 (dynein axonemal heavy chain 9; plus strand). Cytogenetic location: 17p12.
Variant type: single nucleotide variant.
Coding change: c.6399+6T>C on transcript NM_001372.4 (MANE Select); 6 bases into the intron after coding-DNA position 6399, T replaced by C.
Molecular consequence: intron variant.
Genome position (GRCh38, 1-based): chr17:11,745,090, T>C. VCF-style: chr17-11745090-T-C. GRCh37 (hg19) VCF-style: chr17-11648407-T-C.
Identifiers: ClinVar variation 1505373 (VCV001505373.8), dbSNP rs376650974, ClinGen allele CA8396289.

ClinVar aggregate classification (germline): Conflicting classifications of pathogenicity. Review status: criteria provided, conflicting classifications (1 of 4 stars). 3 submissions from 3 submitters: Uncertain significance (2); Likely benign (1). Last evaluated 2024-11-03.

Allele frequency attached by ClinVar (database versions not stated): ESP Exome Variant Server 0.00008; gnomAD 0.00008 and 0.00009; gnomAD exomes 0.00011 and 0.00013; TOPMed 0.00012; ExAC 0.00014.
gnomAD v4.1: 171 of 1,603,974 alleles (0.011%); highest among the groups gnomAD compares: Middle Eastern, 0.17%; 1 homozygote.

Submissions (3):

Labcorp Genetics (formerly Invitae), Labcorp
Classification: Uncertain significance. Last evaluated: 2024-11-03. Review status: criteria provided, single submitter. Criteria: Invitae Variant Classification Sherloc (09022015). Collection method: clinical testing. Allele origin: germline.
Comment: This sequence change falls in intron 31 of the DNAH9 gene. It does not directly change the encoded amino acid sequence of the DNAH9 protein. It affects a nucleotide within the consensus splice site. This variant is present in population databases (rs376650974, gnomAD 0.05%). This variant has not been reported in the literature in individuals affected with DNAH9-related conditions. ClinVar contains an entry for this variant (Variation ID: 1505373). Variants that disrupt the consensus splice site are a relatively common cause of aberrant splicing (PMID: 17576681, 9536098). Algorithms developed to predict the effect of sequence changes on RNA splicing suggest that this variant is not likely to affect RNA splicing. In summary, the available evidence is currently insufficient to determine the role of this variant in disease. Therefore, it has been classified as a Variant of Uncertain Significance.

Blueprint Genetics
Classification: Likely benign. Last evaluated: 2024-09-16. Review status: criteria provided, single submitter. Criteria: ACMG Guidelines, 2015. Collection method: clinical testing. Allele origin: germline.

Breakthrough Genomics
Classification: Uncertain significance. Review status: criteria provided, single submitter. Criteria: ACMG Guidelines, 2015. Collection method: not provided. Allele origin: germline. Inheritance: Autosomal recessive inheritance. Affected: yes.

Literature cited by the submitters: PubMed 17576681 (cited by Labcorp Genetics (formerly Invitae), Labcorp); PubMed 9536098 (cited by Labcorp Genetics (formerly Invitae), Labcorp).